The following is an entry in ClinVar:

NM_000693.4(ALDH1A3):c.964G>A (p.Val322Met)

Genes: ALDH1A3 (aldehyde dehydrogenase 1 family member A3; plus strand), ALDH1A3-AS1 (ALDH1A3 antisense RNA 1; minus strand). Cytogenetic location: 15q26.3.
Variant type: single nucleotide variant.
Coding change: c.964G>A on transcript NM_000693.4 (MANE Select); coding-DNA position 964, G replaced by A.
Protein change: p.Val322Met; replaces valine 322 with methionine.
Molecular consequence: missense variant.
Genome position (GRCh38, 1-based): chr15:100,900,655, G>A. VCF-style: chr15-100900655-G-A. GRCh37 (hg19) VCF-style: chr15-101440860-G-A.
Other names: c.643G>A, p.Val215Met (NM_001293815.2); short protein forms V215M, V322M.
Identifiers: ClinVar variation 653567 (VCV000653567.8), dbSNP rs1596129599, ClinGen allele CA393944583.
Genomic context (GRCh38, chr15:100,900,655, plus strand): 5'-GCCCATCAGGGAGTGTTCTTCAACCAAGGCCAGTGTTGCACGGCAGCCTCCAGGGTGTTC[G>A]TGGAGGAGCAGGTCTACTCTGAGTTTGTCAGGCGGAGCGTGGAGTATGCCAAGAAACGGC-3'
Protein context (NP_000684.2, residues 312-332): QCCTAASRVF[Val322Met]EEQVYSEFVR

ClinVar aggregate classification (germline): Uncertain significance (1 of 4 stars; one submission).

Conditions:
Isolated microphthalmia 8. Identifiers: Orphanet 2542, MedGen C3554524, MONDO:0014050, OMIM 615113.

gnomAD v4.1: 4 of 1,613,848 alleles (0.00025%); highest among the groups gnomAD compares: Non-Finnish European, 0.00034%; no homozygotes.

Submission:

Labcorp Genetics (formerly Invitae), Labcorp
Classification: Uncertain significance for Isolated microphthalmia 8. Last evaluated: 2018-10-04. Review status: criteria provided, single submitter. Criteria: Invitae Variant Classification Sherloc (09022015). Collection method: clinical testing. Allele origin: germline.
Comment: In summary, the available evidence is currently insufficient to determine the role of this variant in disease. Therefore, it has been classified as a Variant of Uncertain Significance. Algorithms developed to predict the effect of missense changes on protein structure and function are either unavailable or do not agree on the potential impact of this missense change (SIFT: "Deleterious"; PolyPhen-2: "Probably Damaging"; Align-GVGD: "Class C0"). This variant has been observed in an individual affected with anophthalmia (PMID: 26995144). This variant is not present in population databases (ExAC no frequency). This sequence change replaces valine with methionine at codon 322 of the ALDH1A3 protein (p.Val322Met). The valine residue is highly conserved and there is a small physicochemical difference between valine and methionine.

Literature cited by the submitters: PubMed 26995144.